The following is an entry in ClinVar:

NM_203447.4(DOCK8):c.741+2T>C

Gene: DOCK8 (dedicator of cytokinesis 8; plus strand). Cytogenetic location: 9p24.3.
Variant type: single nucleotide variant.
Coding change: c.741+2T>C on transcript NM_203447.4 (MANE Select); the canonical splice donor site of the intron after coding-DNA position 741, T replaced by C.
Molecular consequence: splice donor variant.
Genome position (GRCh38, 1-based): chr9:312,168, T>C. VCF-style: chr9-312168-T-C. GRCh37 (hg19) VCF-style: chr9-312168-T-C.
Other names: c.537+2T>C (NM_001193536.2, NM_001190458.2).
Identifiers: ClinVar variation 2801666 (VCV002801666.3), dbSNP rs1586672470, ClinGen allele CA372761011.
Genomic context (GRCh38, chr9:312,168, plus strand): 5'-AGGCCCGGAGGACCAATAGGCAGGCCGAGCTCTTTGCCCTTTACCCATCAGTGGACGAGG[T>C]GGGTGCCACTGTTTCCATACTGGAGAATCTCAGTGAAGACTCTGAGAGTCATGTGGACAA-3'

ClinVar aggregate classification (germline): Likely pathogenic (1 of 4 stars; one submission).

Conditions:
Combined immunodeficiency due to DOCK8 deficiency (HIES2). Also called: HIES autosomal recessive; HYPER-IgE RECURRENT INFECTION SYNDROME 2, AUTOSOMAL RECESSIVE; DOCK8 Deficiency; HYPER-IgE SYNDROME 2, AUTOSOMAL RECESSIVE, WITH RECURRENT INFECTIONS; Hyper-IgE recurrent infection syndrome, autosomal recessive. Identifiers: Orphanet 217390, MedGen C4722305, MONDO:0009478, OMIM 243700.

Submission:

Labcorp Genetics (formerly Invitae), Labcorp
Classification: Likely pathogenic for Combined immunodeficiency due to DOCK8 deficiency. Last evaluated: 2023-10-13. Review status: criteria provided, single submitter. Criteria: Invitae Variant Classification Sherloc (09022015). Collection method: clinical testing. Allele origin: germline.
Comment: This sequence change affects a donor splice site in intron 6 of the DOCK8 gene. It is expected to disrupt RNA splicing. Variants that disrupt the donor or acceptor splice site typically lead to a loss of protein function (PMID: 16199547), and loss-of-function variants in DOCK8 are known to be pathogenic (PMID: 14722525, 19776401). This variant is not present in population databases (gnomAD no frequency). This variant has not been reported in the literature in individuals affected with DOCK8-related conditions. Algorithms developed to predict the effect of sequence changes on RNA splicing suggest that this variant may disrupt the consensus splice site. In summary, the currently available evidence indicates that the variant is pathogenic, but additional data are needed to prove that conclusively. Therefore, this variant has been classified as Likely Pathogenic.

Literature cited by the submitters: PubMed 16199547; PubMed 14722525; PubMed 19776401.